The following is an entry in ClinVar:

NM_000085.5(CLCNKB):c.782-2A>G

Genes: CLCNKB (chloride voltage-gated channel Kb; plus strand), LOC106501713 (CLCNKB recombination region; plus strand). Cytogenetic location: 1p36.13.
Variant type: single nucleotide variant.
Coding change: c.782-2A>G on transcript NM_000085.5 (MANE Select); the canonical splice acceptor site of the intron before coding-DNA position 782, A replaced by G.
Molecular consequence: splice acceptor variant.
Genome position (GRCh38, 1-based): chr1:16,049,616, A>G. VCF-style: chr1-16049616-A-G. GRCh37 (hg19) VCF-style: chr1-16376111-A-G.
Other names: IVS7AS, A-G, -2; c.275-2A>G (NM_001165945.2).
Identifiers: ClinVar variation 7597 (VCV000007597.5), dbSNP rs779908241, ClinGen allele CA623527.

ClinVar aggregate classification (germline): Pathogenic. Review status: criteria provided, multiple submitters, no conflicts (2 of 4 stars). 5 submissions from 5 submitters: Pathogenic (2). 3 of the submissions do not count toward it. Last evaluated 2025-05-01.

Conditions:
Bartter disease type 3. Also called: Bartter syndrome type 3. Identifiers: Orphanet 112, Orphanet 93605, MedGen C1846343, MONDO:0011822, OMIM 607364.
Bartter disease type 4B. Also called: BARTTER SYNDROME, TYPE 4B; BARTTER SYNDROME, TYPE 4B, NEONATAL, WITH SENSORINEURAL DEAFNESS; Bartter syndrome, type 4b, digenic. Identifiers: Orphanet 112, MedGen C4310805, MONDO:0000909, OMIM 613090.

Allele frequency attached by ClinVar (database versions not stated): gnomAD exomes below 0.00001 and 0.00001; ExAC 0.00002; gnomAD 0.00002; TOPMed 0.00002.
gnomAD v4.1: 17 of 1,600,332 alleles (0.0011%); highest among the groups gnomAD compares: Non-Finnish European, 0.0015%; no homozygotes.

Submissions (5):

Rare Kidney Stone Consortium and the Mayo Clinic Hyperoxaluria Center, Mayo Clinic
Classification: Pathogenic for Bartter disease type 3. Last evaluated: 2025-05-01. Review status: criteria provided, single submitter. Criteria: ACMG Guidelines, 2015. Collection method: research. Allele origin: germline.
Comment: ACMG: PVS1, PS1, PM2, PP3

heterozygote

Fulgent Genetics
Classification: Pathogenic for Bartter disease type 3; Bartter disease type 4B. Last evaluated: 2021-08-18. Review status: criteria provided, single submitter. Criteria: ACMG Guidelines, 2015. Collection method: clinical testing. Allele origin: unknown.

OMIM
Classification: Pathogenic for BARTTER SYNDROME, TYPE 3. Last evaluated: 2000-12-01. Review status: no assertion criteria provided. Collection method: literature only. Allele origin: germline. Not counted in ClinVar's aggregate classification.

Clinical Genetics DNA and cytogenetics Diagnostics Lab, Erasmus MC, Erasmus Medical Center
Classification: Likely pathogenic. Review status: no assertion criteria provided. Collection method: clinical testing. Allele origin: germline. Affected: yes. Study: VKGL Data-share Consensus. Not counted in ClinVar's aggregate classification.

Joint Genome Diagnostic Labs from Nijmegen and Maastricht, Radboudumc and MUMC+
Classification: Pathogenic. Review status: no assertion criteria provided. Collection method: clinical testing. Allele origin: germline. Affected: yes. Study: VKGL Data-share Consensus. Not counted in ClinVar's aggregate classification.

Literature cited by the submitters: PubMed 34805638 (cited by Rare Kidney Stone Consortium and the Mayo Clinic Hyperoxaluria Center, Mayo Clinic); PubMed 28381550 (cited by Rare Kidney Stone Consortium and the Mayo Clinic Hyperoxaluria Center, Mayo Clinic); PubMed 25525159 (cited by Rare Kidney Stone Consortium and the Mayo Clinic Hyperoxaluria Center, Mayo Clinic); PubMed 10906158 (cited by Rare Kidney Stone Consortium and the Mayo Clinic Hyperoxaluria Center, Mayo Clinic); PubMed 11102542 (cited by OMIM).